The following is an entry in ClinVar:

ClinVar aggregate classification (germline): Pathogenic/Likely pathogenic. Review status: criteria provided, multiple submitters, no conflicts (2 of 4 stars). 4 submissions from 4 submitters: Pathogenic (2); Likely pathogenic (1). 1 of the submissions does not count toward it. Last evaluated 2021-10-02.

Conditions:
SYT1-associated neurodevelopmental disorder.
Infantile hypotonia-oculomotor anomalies-hyperkinetic movements-developmental delay syndrome. Also called: BAKER-GORDON SYNDROME; NEURODEVELOPMENTAL DISORDER WITH INVOLUNTARY MOVEMENT AND ABNORMAL ELECTROENCEPHALOGRAM. Identifiers: Orphanet 522077, MedGen C4748715, MONDO:0033864, OMIM 618218.

Submissions (4):

3billion
Classification: Pathogenic for Infantile hypotonia-oculomotor anomalies-hyperkinetic movements-developmental delay syndrome. Last evaluated: 2021-10-02. Review status: criteria provided, single submitter. Criteria: ACMG Guidelines, 2015. Collection method: clinical testing. Allele origin: germline. Affected: yes. Observed: 1 heterozygote.
Comment: Same nucleotide change resulting in same amino acid change has been previously reported as de novoo in similarly affected unrelated individual and observed in at least two similarly affected unrelated individuals (ClinVar ID: VCV000590280.2, PMID: 30107533, PS2 and PS4_M). Functional studies provide moderate evidence of the variant having a damaging effect on the gene or gene product (PMID: 30107533). It is not observed in the gnomAD v2.1.1 dataset (PM2). The variant was observed as assumed (i.e. paternity and maternity not confirmed) de novoo (3billion dataset, PM6). Patient's phenotype is considered compatible with Baker-Gordon syndrome(3billion dataset, PP4). Therefore, this variant is classified as pathogenic according to the recommendation of ACMG/AMP guideline.

SIB Swiss Institute of Bioinformatics
Classification: Likely pathogenic for Infantile hypotonia-oculomotor anomalies-hyperkinetic movements-developmental delay syndrome. Last evaluated: 2019-02-18. Review status: criteria provided, single submitter. Criteria: ACMG Guidelines, 2015. Collection method: curation. Allele origin: unknown.
Comment: This variant is interpreted as a Likely pathogenic for Baker-Gordon syndrome, autosomal dominant. The following ACMG Tag(s) were applied: PM2: Absent from controls (or at extremely low frequency if recessive) in Exome Sequencing Project, 1000 Genomes Project, or Exome Aggregation Consortium. PM6: Assumed de novo, but without confirmation of paternity and maternity. PS3-Moderate: Well-established functional studies show a deleterious effect (downgraded to Moderate). PM1: Located in a mutational hot spot and/or critical and well-established functional domain (e.g., active site of an enzyme) without benign variation. PP3: Multiple lines of computational evidence support a deleterious effect on the gene or gene product.

Raymond Lab, University of Cambridge
Classification: Pathogenic for SYT1-associated neurodevelopmental disorder. Last evaluated: 2018-07-01. Review status: criteria provided, single submitter. Criteria: ACMG Guidelines, 2015. Collection method: research. Allele origin: de novo. Affected: yes. Observed: 3 variant alleles. Clinical features observed: Intellectual disability, Movement disorder, Global developmental delay, Impulsivity.

OMIM
Classification: Pathogenic for BAKER-GORDON SYNDROME. Last evaluated: 2018-12-12. Review status: no assertion criteria provided. Collection method: literature only. Allele origin: germline. Not counted in ClinVar's aggregate classification.

Literature cited by the submitters: PubMed 30107533 (cited by 4 submitters).

NM_005639.3(SYT1):c.1098C>A (p.Asp366Glu)

Gene: SYT1 (synaptotagmin 1; plus strand). Cytogenetic location: 12q21.2.
Variant type: single nucleotide variant.
Coding change: c.1098C>A on transcript NM_005639.3 (MANE Select); coding-DNA position 1098, C replaced by A.
Protein change: p.Asp366Glu; replaces aspartic acid 366 with glutamic acid.
Molecular consequence: missense variant.
Genome position (GRCh38, 1-based): chr12:79,448,953, C>A. VCF-style: chr12-79448953-C-A. GRCh37 (hg19) VCF-style: chr12-79842733-C-A.
Other names: c.1098C>A, p.Asp366Glu (NM_001135805.2, NM_001135806.2); c.1089C>A, p.Asp363Glu (NM_001291901.2); c.1098C>A (NM_001135805.1); short protein forms D366E, D363E.
Identifiers: ClinVar variation 590280 (VCV000590280.3), dbSNP rs1565962725, ClinGen allele CA385931861.